The following is an entry in ClinVar:

NM_000719.7(CACNA1C):c.3020G>T (p.Arg1007Met)

Gene: CACNA1C (calcium voltage-gated channel subunit alpha1 C; plus strand). Cytogenetic location: 12p13.33.
Variant type: single nucleotide variant.
Coding change: c.3020G>T on transcript NM_000719.7 (MANE Select); coding-DNA position 3020, G replaced by T.
Protein change: p.Arg1007Met; replaces arginine 1007 with methionine.
Molecular consequence: missense variant.
Genome position (GRCh38, 1-based): chr12:2,605,140, G>T. VCF-style: chr12-2605140-G-T. GRCh37 (hg19) VCF-style: chr12-2714306-G-T.
Other names: c.3080G>T, p.Arg1027Met (NM_001129827.2, NM_001129832.2, NM_199460.4); c.3020G>T, p.Arg1007Met (NM_001129829.2, NM_001129830.3, NM_001129831.2 and 15 more transcripts); c.3011G>T, p.Arg1004Met (NM_001129844.2); short protein forms R1004M, R1007M, R1027M.
Identifiers: ClinVar variation 3371460 (VCV003371460.1).

ClinVar aggregate classification (germline): Uncertain significance (1 of 4 stars; one submission).

Submission:

GeneDx
Classification: Uncertain significance. Last evaluated: 2024-03-27. Review status: criteria provided, single submitter. Criteria: GeneDx Variant Classification Process June 2021. Collection method: clinical testing. Allele origin: germline. Affected: yes.
Comment: Not observed at significant frequency in large population cohorts (gnomAD); In silico analysis supports that this missense variant has a deleterious effect on protein structure/function; Has not been previously published as pathogenic or benign to our knowledge